The following is an entry in ClinVar:

NM_058172.6(ANTXR2):c.697+1G>A

Gene: ANTXR2 (ANTXR cell adhesion molecule 2; minus strand). Cytogenetic location: 4q21.21.
Variant type: single nucleotide variant.
Coding change: c.697+1G>A on transcript NM_058172.6 (MANE Select); the canonical splice donor site of the intron after coding-DNA position 697, G replaced by A.
Molecular consequence: splice donor variant.
Genome position (GRCh38, 1-based): chr4:80,035,971, C>T on the plus strand (G>A on the coding strand, the complement: ANTXR2 is on the minus strand). VCF-style: chr4-80035971-C-T. GRCh37 (hg19) VCF-style: chr4-80957125-C-T.
Other names: NC_000004.11:g.80957125C>T; c.466+1G>A (NM_001286780.2, NM_001286781.2); c.697+1G>A (NM_001145794.2).
Identifiers: ClinVar variation 2635528 (VCV002635528.2), dbSNP rs779690230, ClinGen allele CA2981877.

ClinVar aggregate classification (germline): Likely pathogenic (1 of 4 stars; one submission).

Conditions:
ANTXR2-related disorder. Also called: ANTXR2-related condition.

Allele frequency attached by ClinVar (database versions not stated): TOPMed below 0.00001; gnomAD 0.00001; ExAC 0.00004.
gnomAD v4.1: 13 of 1,541,674 alleles (0.00084%); highest among the groups gnomAD compares: African/African-American, 0.0014%; no homozygotes.

Submissions (2):

PreventionGenetics, part of Exact Sciences
Classification: Likely pathogenic for ANTXR2-related condition. Last evaluated: 2022-11-28. Review status: criteria provided, single submitter. Criteria: ACMG Guidelines, 2015. Collection method: clinical testing. Allele origin: germline.
Comment: The ANTXR2 c.697+1G>A variant is predicted to disrupt the GT donor site and interfere with normal splicing. This variant has been reported in the compound heterozygous state in a patient with infantile systemic hyalinosis (described as IVS8+1G>A, Hanks et al. 2003. PubMed ID: 14508707). This variant is reported in 0.0015% of alleles in individuals of European (Non-Finnish) descent in gnomAD. Variants that disrupt the consensus splice donor site in ANTXR2 are expected to be pathogenic. This variant is interpreted as likely pathogenic.

Dr. Peter K. Rogan Lab, Western University
No classification provided (evidence only). Condition: Familial cancer of breast. Review status: no classification provided. Collection method: in vitro. Allele origin: not applicable. Functional consequence: skipped exon. Not counted in ClinVar's aggregate classification.